The following is an entry in ClinVar:

NM_000059.4(BRCA2):c.2175A>T (p.Lys725Asn)

Gene: BRCA2 (BRCA2 DNA repair associated; plus strand). Cytogenetic location: 13q13.1.
Variant type: single nucleotide variant.
Coding change: c.2175A>T on transcript NM_000059.4 (MANE Select); coding-DNA position 2175, A replaced by T.
Protein change: p.Lys725Asn; replaces lysine 725 with asparagine.
Molecular consequence: missense variant.
Genome position (GRCh38, 1-based): chr13:32,336,530, A>T. VCF-style: chr13-32336530-A-T. GRCh37 (hg19) VCF-style: chr13-32910667-A-T.
Other names: short protein forms K725N.
Identifiers: ClinVar variation 51253 (VCV000051253.9), dbSNP rs80358491, ClinGen allele CA014530.

ClinVar aggregate classification (germline): Conflicting classifications of pathogenicity. Review status: criteria provided, conflicting classifications (1 of 4 stars). 3 submissions from 3 submitters: Uncertain significance (1); Likely benign (1). 1 of the submissions does not count toward it. Last evaluated 2024-06-22.

Conditions:
Hereditary cancer-predisposing syndrome. Also called: Neoplastic Syndromes, Hereditary; Tumor predisposition; Hereditary Cancer Syndrome; Hereditary neoplastic syndrome. Identifiers: Orphanet 140162, MedGen C0027672, MeSH D009386, MONDO:0015356.
Hereditary breast ovarian cancer syndrome. Also called: Hereditary breast and ovarian cancer syndrome; Hereditary breast and ovarian cancer; Hereditary breast and ovarian cancer syndrome (HBOC); Breast and ovarian cancer; Hereditary breast and/or ovarian cancer syndrome; BRCA1- and BRCA2-Associated Hereditary Breast and Ovarian Cancer. Identifiers: Orphanet 145, MedGen C0677776, MeSH D061325, MONDO:0003582. Disease mechanism: loss of function.
Breast-ovarian cancer, familial, susceptibility to, 2 (BROVCA2). Also called: BRCA2 Hereditary Breast and Ovarian Cancer. Identifiers: Orphanet 145, MedGen C2675520, MONDO:0012933, OMIM 612555. Disease mechanism: loss of function.

Submissions (3):

Labcorp Genetics (formerly Invitae), Labcorp
Classification: Uncertain significance for Hereditary breast ovarian cancer syndrome. Last evaluated: 2024-06-22. Review status: criteria provided, single submitter. Criteria: Invitae Variant Classification Sherloc (09022015). Collection method: clinical testing. Allele origin: germline.
Comment: This sequence change replaces lysine, which is basic and polar, with asparagine, which is neutral and polar, at codon 725 of the BRCA2 protein (p.Lys725Asn). This variant is not present in population databases (gnomAD no frequency). This variant has not been reported in the literature in individuals affected with BRCA2-related conditions. ClinVar contains an entry for this variant (Variation ID: 51253). Advanced modeling of protein sequence and biophysical properties (such as structural, functional, and spatial information, amino acid conservation, physicochemical variation, residue mobility, and thermodynamic stability) performed at Invitae indicates that this missense variant is not expected to disrupt BRCA2 protein function with a negative predictive value of 95%. In summary, the available evidence is currently insufficient to determine the role of this variant in disease. Therefore, it has been classified as a Variant of Uncertain Significance.

University of Washington Department of Laboratory Medicine, University of Washington
Classification: Likely benign for Hereditary cancer-predisposing syndrome. Last evaluated: 2023-03-23. Review status: criteria provided, single submitter. Criteria: Dines et al. (Genet Med. 2020). Collection method: curation. Allele origin: germline.
Comment: Missense variant in a coldspot region where missense variants are very unlikely to be pathogenic (PMID:31911673).

BRCA2 exon 11 coldspot. Reclassification based on statistical prior probability.

Breast Cancer Information Core (BIC) (BRCA2)
Classification: Uncertain significance for Breast-ovarian cancer, familial 2. Last evaluated: 2004-02-20. Review status: no assertion criteria provided. Collection method: clinical testing. Allele origin: germline. Affected: yes. Observed: 1 variant allele. Not counted in ClinVar's aggregate classification.